The following is an entry in ClinVar:

NM_012200.4(B3GAT3):c.929G>A (p.Arg310Gln)

Gene: B3GAT3 (beta-1,3-glucuronyltransferase 3; minus strand). Cytogenetic location: 11q12.3.
Variant type: single nucleotide variant.
Coding change: c.929G>A on transcript NM_012200.4 (MANE Select); coding-DNA position 929, G replaced by A.
Protein change: p.Arg310Gln; replaces arginine 310 with glutamine.
Molecular consequence: missense variant. On other transcripts: 3 prime UTR variant (2), non-coding transcript variant (1).
Genome position (GRCh38, 1-based): chr11:62,615,780, C>T on the plus strand (G>A on the coding strand, the complement: B3GAT3 is on the minus strand). VCF-style: chr11-62615780-C-T. GRCh37 (hg19) VCF-style: chr11-62383252-C-T.
Other names: c.908G>A, p.Arg303Gln (NM_001288721.2); c.*406G>A (NM_001288722.2); c.*422G>A (NM_001288723.2); short protein forms R303Q, R310Q.
Identifiers: ClinVar variation 1254863 (VCV001254863.3), dbSNP rs779076359, ClinGen allele CA6049944.

ClinVar aggregate classification (germline): Uncertain significance. Review status: criteria provided, multiple submitters, no conflicts (2 of 4 stars). 2 submissions from 2 submitters: Uncertain significance (2). Last evaluated 2022-11-22.

Allele frequency attached by ClinVar (database versions not stated): TOPMed 0.00002; gnomAD 0.00003; ExAC 0.00012.
gnomAD v4.1: 45 of 1,613,794 alleles (0.0028%); highest among the groups gnomAD compares: Admixed American, 0.0033%; no homozygotes.

Submissions (2):

Centre of Medical Genetics, University Hospital Muenster
Classification: Uncertain significance. Last evaluated: 2022-11-22. Review status: criteria provided, single submitter. Criteria: ACMG Guidelines, 2015. Collection method: clinical testing. Allele origin: unknown. Affected: yes. Observed: 1 variant allele, 1 homozygote.
Comment: ACMG categories: PM1,PM2,PP3

GeneDx
Classification: Uncertain significance. Last evaluated: 2021-08-25. Review status: criteria provided, single submitter. Criteria: GeneDx Variant Classification Process June 2021. Collection method: clinical testing. Allele origin: germline. Affected: yes.
Comment: Not observed at significant frequency in large population cohorts (Lek et al., 2016); In silico analysis supports that this missense variant has a deleterious effect on protein structure/function; Has not been previously published as pathogenic or benign to our knowledge

Literature cited by the submitters: PubMed 16815917 (cited by Centre of Medical Genetics, University Hospital Muenster).